The following is an entry in ClinVar:

ClinVar aggregate classification (germline): Uncertain significance. Review status: criteria provided, multiple submitters, no conflicts (2 of 4 stars). 2 submissions from 2 submitters: Uncertain significance (2). Last evaluated 2025-11-13.

Conditions:
Familial adenomatous polyposis 1 (FAP1). Also called: POLYPOSIS, ADENOMATOUS INTESTINAL; FAMILIAL ADENOMATOUS POLYPOSIS 1, ATTENUATED. Identifiers: MedGen C2713442, MONDO:0021056, OMIM 175100. Disease mechanism: loss of function.
Hereditary cancer-predisposing syndrome. Also called: Neoplastic Syndromes, Hereditary; Tumor predisposition; Hereditary neoplastic syndrome; Hereditary Cancer Syndrome. Identifiers: Orphanet 140162, MedGen C0027672, MeSH D009386, MONDO:0015356.

Submissions (2):

Ambry Genetics
Classification: Uncertain significance for Hereditary cancer-predisposing syndrome. Last evaluated: 2025-11-13. Review status: criteria provided, single submitter. Criteria: Ambry Variant Classification Scheme 2023. Collection method: clinical testing. Allele origin: germline.
Comment: The p.F773S variant (also known as c.2318T>C), located in coding exon 15 of the APC gene, results from a T to C substitution at nucleotide position 2318. The phenylalanine at codon 773 is replaced by serine, an amino acid with highly dissimilar properties. This amino acid position is conserved. In addition, in silico predictors for this gene do not accurately predict pathogenicity. Missense variants in APC are not a common cause of disease (Spier I et al. Genet Med. 2024 Feb;26(2):100992). Based on the available evidence, the clinical significance of this variant remains unclear.

Labcorp Genetics (formerly Invitae), Labcorp
Classification: Uncertain significance for Familial adenomatous polyposis 1. Last evaluated: 2025-09-01. Review status: criteria provided, single submitter. Criteria: Invitae Variant Classification Sherloc (09022015). Collection method: clinical testing. Allele origin: germline.
Comment: This sequence change replaces phenylalanine, which is neutral and non-polar, with serine, which is neutral and polar, at codon 773 of the APC protein (p.Phe773Ser). This variant is not present in population databases (gnomAD no frequency). This variant has not been reported in the literature in individuals affected with APC-related conditions. ClinVar contains an entry for this variant (Variation ID: 2452761). Invitae Evidence Modeling of protein sequence and biophysical properties (such as structural, functional, and spatial information, amino acid conservation, physicochemical variation, residue mobility, and thermodynamic stability) indicates that this missense variant is not expected to disrupt APC protein function with a negative predictive value of 95%. In summary, the available evidence is currently insufficient to determine the role of this variant in disease. Therefore, it has been classified as a Variant of Uncertain Significance.

NM_000038.6(APC):c.2318T>C (p.Phe773Ser)

Gene: APC (APC regulator of Wnt signaling pathway; plus strand). Cytogenetic location: 5q22.2.
Variant type: single nucleotide variant.
Coding change: c.2318T>C on transcript NM_000038.6 (MANE Select); coding-DNA position 2318, T replaced by C.
Protein change: p.Phe773Ser; replaces phenylalanine 773 with serine.
Molecular consequence: missense variant. On other transcripts: non-coding transcript variant (2).
Genome position (GRCh38, 1-based): chr5:112,837,912, T>C. VCF-style: chr5-112837912-T-C. GRCh37 (hg19) VCF-style: chr5-112173609-T-C.
Other names: c.2318T>C, p.Phe773Ser (NM_001127510.3, NM_001354895.2, NM_001407450.1); c.2264T>C, p.Phe755Ser (NM_001127511.3); c.2372T>C, p.Phe791Ser (NM_001354896.2, NM_001407447.1, NM_001407448.1 and 1 more transcripts); c.2348T>C, p.Phe783Ser (NM_001354897.2); c.2243T>C, p.Phe748Ser (NM_001354898.2); c.2234T>C, p.Phe745Ser (NM_001354899.2); c.2195T>C, p.Phe732Ser (NM_001354900.2); c.2141T>C, p.Phe714Ser (NM_001354901.2, NM_001407453.1); and 11 more; short protein forms F490S, F748S, F773S, F647S, F714S, F745S, F766S, F791S.
Identifiers: ClinVar variation 2452761 (VCV002452761.5), dbSNP rs2149866259, ClinGen allele CA16026414.